The following is an entry in ClinVar:

ClinVar aggregate classification (germline): Uncertain significance (1 of 4 stars; one submission).

Conditions:
Developmental and epileptic encephalopathy, 11 (DEE11). Also called: Early infantile epileptic encephalopathy 11. Identifiers: Orphanet 1934, MedGen C3150987, MONDO:0013388, OMIM 613721.
Seizures, benign familial infantile, 3 (BFIS3). Also called: CONVULSIONS, BENIGN FAMILIAL INFANTILE, 3; Familial neonatal seizures. Identifiers: Orphanet 140927, Orphanet 306, MedGen C1843140, MONDO:0011904, OMIM 607745.

Submission:

Labcorp Genetics (formerly Invitae), Labcorp
Classification: Uncertain significance for Seizures, benign familial infantile, 3; Developmental and epileptic encephalopathy, 11. Last evaluated: 2025-05-10. Review status: criteria provided, single submitter. Criteria: Invitae Variant Classification Sherloc (09022015). Collection method: clinical testing. Allele origin: germline.
Comment: This sequence change replaces asparagine, which is neutral and polar, with aspartic acid, which is acidic and polar, at codon 1681 of the SCN2A protein (p.Asn1681Asp). This variant is not present in population databases (gnomAD no frequency). This variant has not been reported in the literature in individuals affected with SCN2A-related conditions. Invitae Evidence Modeling of protein sequence and biophysical properties (such as structural, functional, and spatial information, amino acid conservation, physicochemical variation, residue mobility, and thermodynamic stability) indicates that this missense variant is expected to disrupt SCN2A protein function with a positive predictive value of 95%. In summary, the available evidence is currently insufficient to determine the role of this variant in disease. Therefore, it has been classified as a Variant of Uncertain Significance.

NM_001040142.2(SCN2A):c.5041A>G (p.Asn1681Asp)

Gene: SCN2A (sodium voltage-gated channel alpha subunit 2; plus strand). Cytogenetic location: 2q24.3.
Variant type: single nucleotide variant.
Coding change: c.5041A>G on transcript NM_001040142.2 (MANE Select); coding-DNA position 5041, A replaced by G.
Protein change: p.Asn1681Asp; replaces asparagine 1681 with aspartic acid.
Molecular consequence: missense variant.
Genome position (GRCh38, 1-based): chr2:165,388,847, A>G. VCF-style: chr2-165388847-A-G. GRCh37 (hg19) VCF-style: chr2-166245357-A-G.
Other names: c.5041A>G, p.Asn1681Asp (NM_001040143.2, NM_001371246.1, NM_001371247.1 and 1 more transcripts); short protein forms N1681D.
Identifiers: ClinVar variation 4783614 (VCV004783614.1).
Genomic context (GRCh38, chr2:165,388,847, plus strand): 5'-TTTAACATCGGCCTCCTTCTTTTCCTGGTCATGTTCATCTACGCCATCTTTGGGATGTCC[A>G]ATTTTGCCTATGTTAAGAGGGAAGTTGGGATCGATGACATGTTCAACTTTGAGACCTTTG-3'
Protein context (NP_001035232.1, residues 1671-1691): MFIYAIFGMS[Asn1681Asp]FAYVKREVGI